The following is an entry in ClinVar:

ClinVar aggregate classification (germline): Conflicting classifications of pathogenicity. Review status: criteria provided, conflicting classifications (1 of 4 stars). 3 submissions from 3 submitters: Uncertain significance (2); Likely benign (1). Last evaluated 2025-12-16.

Conditions:
Inborn genetic diseases. Identifiers: MedGen C0950123, MeSH D030342.

Allele frequency attached by ClinVar (database versions not stated): gnomAD exomes below 0.00001; gnomAD 0.00001 and 0.00002; TOPMed 0.00001.
gnomAD v4.1: 8 of 1,613,994 alleles (0.0005%); highest among the groups gnomAD compares: African/African-American, 0.0013%; no homozygotes.

Submissions (3):

Labcorp Genetics (formerly Invitae), Labcorp
Classification: Uncertain significance. Last evaluated: 2025-12-16. Review status: criteria provided, single submitter. Criteria: Invitae Variant Classification Sherloc (09022015). Collection method: clinical testing. Allele origin: germline.
Comment: This sequence change replaces isoleucine, which is neutral and non-polar, with valine, which is neutral and non-polar, at codon 410 of the FBLN5 protein (p.Ile410Val). This variant is present in population databases (no rsID available, gnomAD 0.004%). This variant has not been reported in the literature in individuals affected with FBLN5-related conditions. ClinVar contains an entry for this variant (Variation ID: 387737). Invitae Evidence Modeling of protein sequence and biophysical properties (such as structural, functional, and spatial information, amino acid conservation, physicochemical variation, residue mobility, and thermodynamic stability) indicates that this missense variant is not expected to disrupt FBLN5 protein function with a negative predictive value of 80%. In summary, the available evidence is currently insufficient to determine the role of this variant in disease. Therefore, it has been classified as a Variant of Uncertain Significance.

Ambry Genetics
Classification: Uncertain significance for Inborn genetic diseases. Last evaluated: 2023-01-20. Review status: criteria provided, single submitter. Criteria: Ambry Variant Classification Scheme 2023. Collection method: clinical testing. Allele origin: germline.

GeneDx
Classification: Likely benign. Last evaluated: 2016-08-10. Review status: criteria provided, single submitter. Criteria: GeneDx Variant Classification (06012015). Collection method: clinical testing. Allele origin: germline. Affected: yes.
Comment: This variant is considered likely benign or benign based on one or more of the following criteria: it is a conservative change, it occurs at a poorly conserved position in the protein, it is predicted to be benign by multiple in silico algorithms, and/or has population frequency not consistent with disease.

NM_006329.4(FBLN5):c.1228A>G (p.Ile410Val)

Gene: FBLN5 (fibulin 5; minus strand). Cytogenetic location: 14q32.12.
Variant type: single nucleotide variant.
Coding change: c.1228A>G on transcript NM_006329.4 (MANE Select); coding-DNA position 1228, A replaced by G.
Protein change: p.Ile410Val; replaces isoleucine 410 with valine.
Molecular consequence: missense variant. On other transcripts: 3 prime UTR variant (2).
Genome position (GRCh38, 1-based): chr14:91,870,343, T>C on the plus strand (A>G on the coding strand, the complement: FBLN5 is on the minus strand). VCF-style: chr14-91870343-T-C. GRCh37 (hg19) VCF-style: chr14-92336687-T-C.
Other names: c.1351A>G, p.Ile451Val (NM_001384158.1); c.1279A>G, p.Ile427Val (NM_001384159.1); c.*12A>G (NM_001384160.1, NM_001384161.1); c.1060A>G, p.Ile354Val (NM_001384162.1); short protein forms I410V, I354V, I427V, I451V.
Identifiers: ClinVar variation 387737 (VCV000387737.7), dbSNP rs1057522892, ClinGen allele CA16606605.